The following is an entry in ClinVar:

ClinVar aggregate classification (germline): Uncertain significance (1 of 4 stars; one submission).

Conditions:
Familial cancer of breast. Also called: BREAST CANCER, FAMILIAL; Hereditary breast cancer; hereditary breast carcinoma. Identifiers: Orphanet 227535, MedGen C0346153, MONDO:0016419, OMIM 114480. Disease mechanism: loss of function.

Allele frequency attached by ClinVar (database versions not stated): gnomAD exomes below 0.00001.
gnomAD v4.1: 1 of 1,613,310 alleles (0.000062%); highest among the groups gnomAD compares: African/African-American, 0.0013%; no homozygotes.

Submission:

Labcorp Genetics (formerly Invitae), Labcorp
Classification: Uncertain significance for Familial cancer of breast. Last evaluated: 2019-02-25. Review status: criteria provided, single submitter. Criteria: Invitae Variant Classification Sherloc (09022015). Collection method: clinical testing. Allele origin: germline.
Comment: In summary, the available evidence is currently insufficient to determine the role of this variant in disease. Therefore, it has been classified as a Variant of Uncertain Significance. Algorithms developed to predict the effect of missense changes on protein structure and function are either unavailable or do not agree on the potential impact of this missense change (SIFT: "Tolerated"; PolyPhen-2: "Probably Damaging"; Align-GVGD: "Class C0"). This variant has not been reported in the literature in individuals with PALB2-related conditions. This variant is not present in population databases (ExAC no frequency). This sequence change replaces leucine with valine at codon 321 of the PALB2 protein (p.Leu321Val). The leucine residue is weakly conserved and there is a small physicochemical difference between leucine and valine.

NM_024675.4(PALB2):c.961T>G (p.Leu321Val)

Gene: PALB2 (partner and localizer of BRCA2; minus strand). Cytogenetic location: 16p12.2.
Variant type: single nucleotide variant.
Coding change: c.961T>G on transcript NM_024675.4 (MANE Select); coding-DNA position 961, T replaced by G.
Protein change: p.Leu321Val; replaces leucine 321 with valine.
Molecular consequence: missense variant.
Genome position (GRCh38, 1-based): chr16:23,635,585, A>C on the plus strand (T>G on the coding strand, the complement: PALB2 is on the minus strand). VCF-style: chr16-23635585-A-C. GRCh37 (hg19) VCF-style: chr16-23646906-A-C.
Other names: short protein forms L321V.
Identifiers: ClinVar variation 849137 (VCV000849137.10), dbSNP rs1967005997, ClinGen allele CA395135004.